The following is an entry in ClinVar:

ClinVar aggregate classification (germline): Pathogenic. Review status: criteria provided, multiple submitters, no conflicts (2 of 4 stars). 2 submissions from 2 submitters: Pathogenic (2). Last evaluated 2025-10-08.

Conditions:
Nephronophthisis. Also called: Juvenile Nephronophthisis. Identifiers: Orphanet 655, MedGen C0687120, MONDO:0019005, HP:0000090.
NPHP3-related disorder. Also called: NPHP3-related disorders; NPHP3-related condition. Identifiers: MedGen CN379163.

Submissions (2):

3billion
Classification: Pathogenic for NPHP3-related disorder. Last evaluated: 2025-10-08. Review status: criteria provided, single submitter. Criteria: ACMG Guidelines, 2015. Collection method: clinical testing. Allele origin: germline. Affected: yes.
Comment: The variant is not observed in the gnomAD v4.1.0 dataset. Predicted Consequence/Location: Stop-gained (nonsense): predicted to result in a loss or disruption of normal protein function through nonsense-mediated decay (NMD) or protein truncation. Multiple pathogenic variants are reported downstream of the variant. The variant has been reported to be associated with NPHP3-related disorder (ClinVar ID: VCV002019407 /3billion dataset). Therefore, this variant is classified as Pathogenic according to the recommendation of ACMG/AMP guideline.

Labcorp Genetics (formerly Invitae), Labcorp
Classification: Pathogenic for Nephronophthisis. Last evaluated: 2025-04-17. Review status: criteria provided, single submitter. Criteria: Invitae Variant Classification Sherloc (09022015). Collection method: clinical testing. Allele origin: germline.
Comment: This sequence change creates a premature translational stop signal (p.Ser430*) in the NPHP3 gene. It is expected to result in an absent or disrupted protein product. Loss-of-function variants in NPHP3 are known to be pathogenic (PMID: 18371931, 23559409). This variant is not present in population databases (gnomAD no frequency). This variant has not been reported in the literature in individuals affected with NPHP3-related conditions. ClinVar contains an entry for this variant (Variation ID: 2019407). For these reasons, this variant has been classified as Pathogenic.

Literature cited by the submitters: PubMed 18371931 (cited by Labcorp Genetics (formerly Invitae), Labcorp); PubMed 23559409 (cited by Labcorp Genetics (formerly Invitae), Labcorp).

NM_153240.5(NPHP3):c.1289C>G (p.Ser430Ter)

Genes: NPHP3 (nephrocystin 3; minus strand), NPHP3-ACAD11 (NPHP3-ACAD11 readthrough (NMD candidate); minus strand). Cytogenetic location: 3q22.1.
Variant type: single nucleotide variant.
Coding change: c.1289C>G on transcript NM_153240.5 (MANE Select); coding-DNA position 1289, C replaced by G.
Protein change: p.Ser430Ter; replaces serine 430 with a stop codon.
Molecular consequence: nonsense. On other transcripts: non-coding transcript variant (1).
Genome position (GRCh38, 1-based): chr3:132,705,801, G>C on the plus strand (C>G on the coding strand, the complement: NPHP3 is on the minus strand). VCF-style: chr3-132705801-G-C. GRCh37 (hg19) VCF-style: chr3-132424645-G-C.
Other names: short protein forms S430*.
Identifiers: ClinVar variation 2019407 (VCV002019407.6), dbSNP rs2530455248, ClinGen allele CA354584934.
Genomic context (GRCh38, chr3:132,705,801, plus strand): 5'-TGTTTAATAATCTTTTCTACACAAATATAAGTTTTATATACTCCTTCTGCAGGATCTCCT[G>C]AGTGATCAATGATCTAGATAAAAATCATTTAAGAACAATGAGAAAAACCATAATATCAGA-3'